The following is an entry in ClinVar:

NM_001399.5(EDA):c.1069C>G (p.Arg357Gly)

Gene: EDA (ectodysplasin A; plus strand). Cytogenetic location: Xq13.1.
Variant type: single nucleotide variant.
Coding change: c.1069C>G on transcript NM_001399.5 (MANE Select); coding-DNA position 1069, C replaced by G.
Protein change: p.Arg357Gly; replaces arginine 357 with glycine.
Molecular consequence: missense variant.
Genome position (GRCh38, 1-based): chrX:70,035,502, C>G. VCF-style: chrX-70035502-C-G. GRCh37 (hg19) VCF-style: chrX-69255352-C-G.
Other names: c.1063C>G, p.Arg355Gly (NM_001005609.2); c.1054C>G, p.Arg352Gly (NM_001005612.3); short protein forms R352G, R355G, R357G.
Identifiers: ClinVar variation 3896556 (VCV003896556.2).

ClinVar aggregate classification (germline): Uncertain significance (1 of 4 stars; one submission).

Submission:

Women's Health and Genetics/Laboratory Corporation of America, LabCorp
Classification: Uncertain significance. Last evaluated: 2025-04-02. Review status: criteria provided, single submitter. Criteria: LabCorp Variant Classification Summary - May 2015. Collection method: clinical testing. Allele origin: germline.
Comment: Variant summary: EDA c.1069C>G (p.Arg357Gly) results in a non-conservative amino acid change in the encoded protein sequence. Three of five in-silico tools predict a damaging effect of the variant on protein function. The variant was absent in 182702 control chromosomes. The available data on variant occurrences in the general population are insufficient to allow any conclusion about variant significance. To our knowledge, no occurrence of c.1069C>G in individuals affected with Hypohidrotic Ectodermal Dysplasia and no experimental evidence demonstrating its impact on protein function have been reported. No submitters have cited clinical-significance assessments for this variant to ClinVar. Based on the evidence outlined above, the variant was classified as uncertain significance.